The following is an entry in ClinVar:

NM_005359.6(SMAD4):c.686T>G (p.Leu229Arg)

Gene: SMAD4 (SMAD family member 4; plus strand). Cytogenetic location: 18q21.2.
Variant type: single nucleotide variant.
Coding change: c.686T>G on transcript NM_005359.6 (MANE Select); coding-DNA position 686, T replaced by G.
Protein change: p.Leu229Arg; replaces leucine 229 with arginine.
Molecular consequence: missense variant.
Genome position (GRCh38, 1-based): chr18:51,058,143, T>G. VCF-style: chr18-51058143-T-G. GRCh37 (hg19) VCF-style: chr18-48584513-T-G.
Other names: short protein forms L229R.
Identifiers: ClinVar variation 641352 (VCV000641352.12), dbSNP rs75667697, ClinGen allele CA8965887.

ClinVar aggregate classification (germline): Uncertain significance. Review status: criteria provided, multiple submitters, no conflicts (2 of 4 stars). 3 submissions from 3 submitters: Uncertain significance (3). Last evaluated 2023-12-01.

Conditions:
Hereditary cancer-predisposing syndrome. Also called: Neoplastic Syndromes, Hereditary; Hereditary Cancer Syndrome; Hereditary neoplastic syndrome; Tumor predisposition. Identifiers: Orphanet 140162, MedGen C0027672, MeSH D009386, MONDO:0015356.
Familial thoracic aortic aneurysm and aortic dissection (TAAD). Also called: Thoracic aortic aneurysms and dissections. Identifiers: Orphanet 91387, MedGen C4707243, MONDO:0019625.
Juvenile polyposis syndrome (JPS). Identifiers: Orphanet 2929, MedGen C0345893, MONDO:0017380, OMIM 174900.

Allele frequency attached by ClinVar (database versions not stated): ExAC 0.00002.

Submissions (3):

Labcorp Genetics (formerly Invitae), Labcorp
Classification: Uncertain significance for Juvenile polyposis syndrome. Last evaluated: 2023-12-01. Review status: criteria provided, single submitter. Criteria: Invitae Variant Classification Sherloc (09022015). Collection method: clinical testing. Allele origin: germline.
Comment: This sequence change replaces leucine, which is neutral and non-polar, with arginine, which is basic and polar, at codon 229 of the SMAD4 protein (p.Leu229Arg). This variant is not present in population databases (gnomAD no frequency). This missense change has been observed in individual(s) with pancreatic cancer (PMID: 24465802). ClinVar contains an entry for this variant (Variation ID: 641352). Advanced modeling of protein sequence and biophysical properties (such as structural, functional, and spatial information, amino acid conservation, physicochemical variation, residue mobility, and thermodynamic stability) performed at Invitae indicates that this missense variant is not expected to disrupt SMAD4 protein function with a negative predictive value of 95%. In summary, the available evidence is currently insufficient to determine the role of this variant in disease. Therefore, it has been classified as a Variant of Uncertain Significance.

Ambry Genetics
Classification: Uncertain significance for Hereditary cancer-predisposing syndrome; Familial thoracic aortic aneurysm and aortic dissection. Last evaluated: 2023-04-13. Review status: criteria provided, single submitter. Criteria: Ambry Variant Classification Scheme 2023. Collection method: clinical testing. Allele origin: germline.
Comment: The p.L229R variant (also known as c.686T>G), located in coding exon 5 of the SMAD4 gene, results from a T to G substitution at nucleotide position 686. The leucine at codon 229 is replaced by arginine, an amino acid with dissimilar properties. This amino acid position is highly conserved in available vertebrate species. In addition, this alteration is predicted to be deleterious by in silico analysis. Since supporting evidence is limited at this time, the clinical significance of this alteration remains unclear.

Sema4
Classification: Uncertain significance for Hereditary cancer-predisposing syndrome. Last evaluated: 2022-01-06. Review status: criteria provided, single submitter. Criteria: Sema4 Curation Guidelines. Collection method: curation. Allele origin: germline.
Comment: To the best of our knowledge, the SMAD4 c.686T>G (p.L229R) variant has not been reported in individuals with SMAD4-related disease. It was not observed in the large and broad cohorts of the Genome Aggregation Database (PMID: 32461654). The variant has been reported in ClinVar (Variation ID: 641352). Functional studies have not been performed, and in silico predictions of the variant's effect on protein function are inconclusive. The evidence is insufficient to meet ACMG/AMP criteria for classifying the variant as benign or pathogenic. Thus, the clinical significance of this variant is currently uncertain.

Literature cited by the submitters: PubMed 24465802 (cited by Labcorp Genetics (formerly Invitae), Labcorp).